The following is an entry in ClinVar:

NM_018238.4(AGK):c.747A>T (p.Gln249His)

Gene: AGK (acylglycerol kinase; plus strand). Cytogenetic location: 7q34.
Variant type: single nucleotide variant.
Coding change: c.747A>T on transcript NM_018238.4 (MANE Select); coding-DNA position 747, A replaced by T.
Protein change: p.Gln249His; replaces glutamine 249 with histidine.
Molecular consequence: missense variant.
Genome position (GRCh38, 1-based): chr7:141,641,268, A>T. VCF-style: chr7-141641268-A-T. GRCh37 (hg19) VCF-style: chr7-141341068-A-T.
Other names: c.747A>T, p.Gln249His (NM_001364948.3); short protein forms Q249H.
Identifiers: ClinVar variation 4795600 (VCV004795600.1).

ClinVar aggregate classification (germline): Uncertain significance (1 of 4 stars; one submission).

gnomAD v4.1: 8 of 1,613,522 alleles (0.0005%); highest among the groups gnomAD compares: Non-Finnish European, 0.00068%; no homozygotes.

Submission:

GeneDx
Classification: Uncertain significance. Last evaluated: 2025-08-14. Review status: criteria provided, single submitter. Criteria: GeneDx Variant Classification Process June 2021. Collection method: clinical testing. Allele origin: germline. Affected: yes.
Comment: Not observed at significant frequency in large population cohorts (gnomAD); In silico analysis suggests that this missense variant does not alter protein structure/function; Has not been previously published as pathogenic or benign to our knowledge